The following is an entry in ClinVar:

ClinVar aggregate classification (germline): Likely pathogenic. Review status: criteria provided, multiple submitters, no conflicts (2 of 4 stars). 4 submissions from 4 submitters: Likely pathogenic (2). 2 of the submissions do not count toward it. Last evaluated 2025-12-13.

Conditions:
HCCS-related disorder. Also called: HCCS-related condition.
Linear skin defects with multiple congenital anomalies 1 (LSDMCA1). Also called: MIDAS SYNDROME; Microphthalmia with Linear Skin Defects Syndrome; MLS syndrome. Identifiers: Orphanet 2556, MedGen C0796070, MONDO:0024552, OMIM 309801.

Submissions (4):

Labcorp Genetics (formerly Invitae), Labcorp
Classification: Likely pathogenic. Last evaluated: 2025-12-13. Review status: criteria provided, single submitter. Criteria: Invitae Variant Classification Sherloc (09022015). Collection method: clinical testing. Allele origin: germline.
Comment: This sequence change replaces arginine, which is basic and polar, with cysteine, which is neutral and slightly polar, at codon 217 of the HCCS protein (p.Arg217Cys). This variant is not present in population databases (gnomAD no frequency). This missense change has been observed in individual(s) with X-linked dominant microphthalmia with linear skin defects (MLS) syndrome (PMID: 17033964). In at least one individual the variant was observed to be de novo. ClinVar contains an entry for this variant (Variation ID: 11671). Invitae Evidence Modeling of protein sequence and biophysical properties (such as structural, functional, and spatial information, amino acid conservation, physicochemical variation, residue mobility, and thermodynamic stability) indicates that this missense variant is expected to disrupt HCCS protein function with a positive predictive value of 80%. Experimental studies have shown that this missense change affects HCCS function (PMID: 17033964, 25054239). In summary, the currently available evidence indicates that the variant is pathogenic, but additional data are needed to prove that conclusively. Therefore, this variant has been classified as Likely Pathogenic.

PreventionGenetics, part of Exact Sciences
Classification: Likely pathogenic for HCCS-related condition. Last evaluated: 2023-02-27. Review status: criteria provided, single submitter. Criteria: ACMG Guidelines, 2015. Collection method: clinical testing. Allele origin: germline.
Comment: The HCCS c.649C>T variant is predicted to result in the amino acid substitution p.Arg217Cys. Functional assays in this same paper found that the p.Arg217Cys substitution causes a decrease in protein activity (Wimplinger et al. 2006. PubMed ID: 17033964). This variant has not been reported in a large population database, indicating this variant is rare. This variant is interpreted as likely pathogenic.

OMIM
Classification: Pathogenic for LINEAR SKIN DEFECTS WITH MULTIPLE CONGENITAL ANOMALIES 1. Last evaluated: 2006-11-01. Review status: no assertion criteria provided. Collection method: literature only. Allele origin: germline. Not counted in ClinVar's aggregate classification.

GeneReviews
No classification provided. Condition: Linear skin defects with multiple congenital anomalies 1. Review status: no classification provided. Collection method: literature only. Allele origin: germline. Not counted in ClinVar's aggregate classification.

Literature cited by the submitters: PubMed 17033964 (cited by 3 submitters); PubMed 25054239 (cited by Labcorp Genetics (formerly Invitae), Labcorp).

NM_005333.5(HCCS):c.649C>T (p.Arg217Cys)

Gene: HCCS (holocytochrome c synthase; plus strand). Cytogenetic location: Xp22.2.
Variant type: single nucleotide variant.
Coding change: c.649C>T on transcript NM_005333.5 (MANE Select); coding-DNA position 649, C replaced by T.
Protein change: p.Arg217Cys; replaces arginine 217 with cysteine.
Molecular consequence: missense variant.
Genome position (GRCh38, 1-based): chrX:11,121,652, C>T. VCF-style: chrX-11121652-C-T. GRCh37 (hg19) VCF-style: chrX-11139772-C-T.
Other names: c.649C>T, p.Arg217Cys (NM_001122608.3, NM_001171991.3); short protein forms R217C.
Identifiers: ClinVar variation 11671 (VCV000011671.6), dbSNP rs121917889, ClinGen allele CA342088.
Genomic context (GRCh38, chrX:11,121,652, plus strand): 5'-GTGGCATGTTTTTATTCCAGGTATGAGTTGCCTTTTGATAGGCACGATTGGATCATAAAC[C>T]GTTGCGGGACAGAAGTTAGATATGTGATTGATTATTATGATGGTGGTGAAGTCAACAAGG-3'
Protein context (NP_005324.3, residues 207-227): PFDRHDWIIN[Arg217Cys]CGTEVRYVID